The following is an entry in ClinVar:

ClinVar aggregate classification (germline): Conflicting classifications of pathogenicity. Review status: criteria provided, conflicting classifications (1 of 4 stars). 6 submissions from 6 submitters: Uncertain significance (3); Benign (1); Likely benign (2). Last evaluated 2025-10-08.

Conditions:
DMD-related disorder. Also called: DMD-related condition.
Cardiovascular phenotype. Identifiers: MedGen CN230736.
Duchenne muscular dystrophy (DMD). Also called: Duchenne Muscular Dystrophy (DMD); MUSCULAR DYSTROPHY, PSEUDOHYPERTROPHIC PROGRESSIVE, DUCHENNE TYPE. Identifiers: Orphanet 98896, MedGen C0013264, MONDO:0010679, OMIM 310200.

Allele frequency attached by ClinVar (database versions not stated): gnomAD exomes 0.00001 and 0.00003; ExAC 0.00005; gnomAD 0.00006 and 0.00007; TOPMed 0.00012; ESP Exome Variant Server 0.00019; 1000 Genomes Project 0.00026; 1000 Genomes Project 30x 0.00042.
gnomAD v4.1: 15 of 1,208,449 alleles (0.0012%); highest among the groups gnomAD compares: African/African-American, 0.021%; no homozygotes.

Submissions (6):

Labcorp Genetics (formerly Invitae), Labcorp
Classification: Benign for Duchenne muscular dystrophy. Last evaluated: 2025-10-08. Review status: criteria provided, single submitter. Criteria: Invitae Variant Classification Sherloc (09022015). Collection method: clinical testing. Allele origin: germline.

PreventionGenetics, part of Exact Sciences
Classification: Likely benign for DMD-related condition. Last evaluated: 2024-12-26. Review status: criteria provided, single submitter. Criteria: ACMG Guidelines, 2015. Collection method: clinical testing. Allele origin: germline.
Comment: This variant is classified as likely benign based on ACMG/AMP sequence variant interpretation guidelines (Richards et al. 2015 PMID: 25741868, with internal and published modifications).

Revvity Omics, Revvity
Classification: Uncertain significance. Last evaluated: 2024-08-30. Review status: criteria provided, single submitter. Criteria: ACMG Guidelines, 2015. Collection method: clinical testing. Allele origin: germline.

Ambry Genetics
Classification: Likely benign for Cardiovascular phenotype. Last evaluated: 2024-05-15. Review status: criteria provided, single submitter. Criteria: Ambry Variant Classification Scheme 2023. Collection method: clinical testing. Allele origin: germline.

Eurofins Ntd Llc (ga)
Classification: Uncertain significance. Last evaluated: 2017-07-14. Review status: criteria provided, single submitter. Criteria: EGL Classification Definitions 2015. Collection method: clinical testing. Allele origin: germline. Observed: 1 variant allele, 1 heterozygote.

ARUP Laboratories, Molecular Genetics and Genomics, ARUP Laboratories
Classification: Uncertain significance. Last evaluated: 2016-12-19. Review status: criteria provided, single submitter. Criteria: ARUP Molecular Germline Variant Investigation Process. Collection method: clinical testing. Allele origin: germline.

NM_004006.3(DMD):c.4862T>C (p.Ile1621Thr)

Gene: DMD (dystrophin; minus strand). Cytogenetic location: Xp21.1.
Variant type: single nucleotide variant.
Coding change: c.4862T>C on transcript NM_004006.3 (MANE Select); coding-DNA position 4862, T replaced by C.
Protein change: p.Ile1621Thr; replaces isoleucine 1621 with threonine.
Molecular consequence: missense variant.
Genome position (GRCh38, 1-based): chrX:32,365,183, A>G on the plus strand (T>C on the coding strand, the complement: DMD is on the minus strand). VCF-style: chrX-32365183-A-G. GRCh37 (hg19) VCF-style: chrX-32383300-A-G.
Other names: c.4838T>C, p.Ile1613Thr (NM_000109.4); c.4850T>C, p.Ile1617Thr (NM_004009.3); c.4493T>C, p.Ile1498Thr (NM_004010.3); c.839T>C, p.Ile280Thr (NM_004011.4); c.830T>C, p.Ile277Thr (NM_004012.4); short protein forms I1621T, I1613T, I280T, I1498T, I1617T, I277T.
Identifiers: ClinVar variation 409879 (VCV000409879.28), dbSNP rs377412251, ClinGen allele CA10378834.